The following is an entry in ClinVar:

ClinVar aggregate classification (germline): Uncertain significance (1 of 4 stars; one submission).

gnomAD v4.1: 2 of 1,600,236 alleles (0.00012%); highest among the groups gnomAD compares: Admixed American, 0.0034%; no homozygotes.

Submission:

Labcorp Genetics (formerly Invitae), Labcorp
Classification: Uncertain significance. Last evaluated: 2025-04-11. Review status: criteria provided, single submitter. Criteria: Invitae Variant Classification Sherloc (09022015). Collection method: clinical testing. Allele origin: germline.
Comment: This sequence change replaces alanine, which is neutral and non-polar, with valine, which is neutral and non-polar, at codon 1384 of the AHDC1 protein (p.Ala1384Val). This variant is present in population databases (rs754747978, gnomAD 0.006%). This variant has not been reported in the literature in individuals affected with AHDC1-related conditions. An algorithm developed to predict the effect of missense changes on protein structure and function (PolyPhen-2) suggests that this variant is likely to be disruptive. In summary, the available evidence is currently insufficient to determine the role of this variant in disease. Therefore, it has been classified as a Variant of Uncertain Significance.

NM_001371928.1(AHDC1):c.4151C>T (p.Ala1384Val)

Gene: AHDC1 (AT-hook DNA binding motif containing 1; minus strand). Cytogenetic location: 1p36.11.
Variant type: single nucleotide variant.
Coding change: c.4151C>T on transcript NM_001371928.1 (MANE Select); coding-DNA position 4151, C replaced by T.
Protein change: p.Ala1384Val; replaces alanine 1384 with valine.
Molecular consequence: missense variant.
Genome position (GRCh38, 1-based): chr1:27,547,965, G>A on the plus strand (C>T on the coding strand, the complement: AHDC1 is on the minus strand). VCF-style: chr1-27547965-G-A. GRCh37 (hg19) VCF-style: chr1-27874476-G-A.
Other names: c.4151C>T, p.Ala1384Val (NM_001029882.3); short protein forms A1384V.
Identifiers: ClinVar variation 4711633 (VCV004711633.1).